The following is an entry in ClinVar:

NM_001232.4(CASQ2):c.205C>T (p.Gln69Ter)

Gene: CASQ2 (calsequestrin 2; minus strand). Cytogenetic location: 1p13.1.
Variant type: single nucleotide variant.
Coding change: c.205C>T on transcript NM_001232.4 (MANE Select); coding-DNA position 205, C replaced by T.
Protein change: p.Gln69Ter; replaces glutamine 69 with a stop codon.
Molecular consequence: nonsense.
Genome position (GRCh38, 1-based): chr1:115,768,337, G>A on the plus strand (C>T on the coding strand, the complement: CASQ2 is on the minus strand). VCF-style: chr1-115768337-G-A. GRCh37 (hg19) VCF-style: chr1-116310958-G-A.
Other names: short protein forms Q69*.
Identifiers: ClinVar variation 2806492 (VCV002806492.3), dbSNP rs761862949, ClinGen allele CA341767022.

ClinVar aggregate classification (germline): Pathogenic (1 of 4 stars; one submission).

Conditions:
Catecholaminergic polymorphic ventricular tachycardia 1. Also called: RYR2-Related Catecholaminergic Polymorphic Ventricular Tachycardia; VENTRICULAR TACHYCARDIA, CATECHOLAMINERGIC POLYMORPHIC, 1, WITH OR WITHOUT ATRIAL DYSFUNCTION AND/OR DILATED CARDIOMYOPATHY; VENTRICULAR TACHYCARDIA, STRESS-INDUCED POLYMORPHIC 1. Identifiers: Orphanet 3286, MedGen C1631597, MONDO:0011484, OMIM 604772.

Submission:

Labcorp Genetics (formerly Invitae), Labcorp
Classification: Pathogenic for Catecholaminergic polymorphic ventricular tachycardia 1. Last evaluated: 2023-12-12. Review status: criteria provided, single submitter. Criteria: Invitae Variant Classification Sherloc (09022015). Collection method: clinical testing. Allele origin: germline.
Comment: This sequence change creates a premature translational stop signal (p.Gln69*) in the CASQ2 gene. It is expected to result in an absent or disrupted protein product. Loss-of-function variants in CASQ2 are known to be pathogenic (PMID: 12386154). This variant is not present in population databases (gnomAD no frequency). This variant has not been reported in the literature in individuals affected with CASQ2-related conditions. For these reasons, this variant has been classified as Pathogenic.

Literature cited by the submitters: PubMed 12386154.